The following is an entry in ClinVar:

NM_147127.5(EVC2):c.2502-3C>G

Gene: EVC2 (EvC ciliary complex subunit 2; minus strand). Cytogenetic location: 4p16.2.
Variant type: single nucleotide variant.
Coding change: c.2502-3C>G on transcript NM_147127.5 (MANE Select); 3 bases into the intron before coding-DNA position 2502, C replaced by G.
Molecular consequence: intron variant.
Genome position (GRCh38, 1-based): chr4:5,618,685, G>C on the plus strand (C>G on the coding strand, the complement: EVC2 is on the minus strand). VCF-style: chr4-5618685-G-C. GRCh37 (hg19) VCF-style: chr4-5620412-G-C.
Other names: c.2262-3C>G (NM_001166136.2).
Identifiers: ClinVar variation 3771504 (VCV003771504.13).
Genomic context (GRCh38, chr4:5,618,685, plus strand): 5'-CTGCCTCATCCTGAGCAGCTCCTCTTCAGACAGGGAGAAGACTGAGGAGCAGAGCTTCCT[G>C]GGAGGAAGAACAGAGACACACTCTTAACACAGAGAAAGCCTGGGGGCTGGGCTGGGGTGA-3'

ClinVar aggregate classification (germline): Uncertain significance (1 of 4 stars; one submission).

gnomAD v4.1: 5 of 1,587,472 alleles (0.00031%); highest among the groups gnomAD compares: Admixed American, 0.0036%; no homozygotes.

Submission:

CeGaT Center for Human Genetics Tuebingen
Classification: Uncertain significance. Last evaluated: 2024-12-01. Review status: criteria provided, single submitter. Criteria: CeGaT Center For Human Genetics Tuebingen Variant Classification Criteria Version 2. Collection method: clinical testing. Allele origin: germline. Affected: yes. Observed: 1 variant allele.
Comment: EVC2: PM2